The following is an entry in ClinVar:

NM_016617.4(UFM1):c.59+121dup

Gene: UFM1 (ubiquitin fold modifier 1; plus strand). Cytogenetic location: 13q13.3.
Variant type: Duplication.
Coding change: c.59+121dup on transcript NM_016617.4 (MANE Select); 121 bases into the intron after coding-DNA position 59, one base duplicated (T; older notation c.59+121dupT).
Molecular consequence: intron variant. On other transcripts: frameshift variant (1).
Genome position (GRCh38, 1-based): chr13:38,350,176, T duplicated; the last of 3 consecutive T bases (chr13:38,350,174-38,350,176); duplicating any one gives the same sequence. VCF-style (leftmost placement, unchanged base first): chr13-38350173-C-CT. GRCh37 (hg19) VCF-style: chr13-38924310-C-CT.
Other names: c.62dup, p.Leu22fs (NM_001286704.2); c.59+121dup (NM_001286705.2, NM_001286703.2, NM_001286706.2); short protein forms L22fs.
Identifiers: ClinVar variation 1464997 (VCV001464997.6), dbSNP rs758346172, ClinGen allele CA6953933.

ClinVar aggregate classification (germline): Uncertain significance (1 of 4 stars; one submission).

Submission:

Labcorp Genetics (formerly Invitae), Labcorp
Classification: Uncertain significance. Last evaluated: 2023-12-07. Review status: criteria provided, single submitter. Criteria: Invitae Variant Classification Sherloc (09022015). Collection method: clinical testing. Allele origin: germline.
Comment: This sequence change creates a premature translational stop signal (p.Leu22Profs*22) in the UFM1 gene. It is expected to result in an absent or disrupted protein product. However, the current clinical and genetic evidence is not sufficient to establish whether loss-of-function variants in UFM1 cause disease. This variant is present in population databases (rs758346172, gnomAD 0.03%). This variant has not been reported in the literature in individuals affected with UFM1-related conditions. ClinVar contains an entry for this variant (Variation ID: 1464997). In summary, the available evidence is currently insufficient to determine the role of this variant in disease. Therefore, it has been classified as a Variant of Uncertain Significance.